The following is an entry in ClinVar:

NM_001009944.3(PKD1):c.6090C>T (p.Pro2030=)

Gene: PKD1 (polycystin 1, transient receptor potential channel interacting; minus strand). Cytogenetic location: 16p13.3.
Variant type: single nucleotide variant.
Coding change: c.6090C>T on transcript NM_001009944.3 (MANE Select); coding-DNA position 6090, C replaced by T.
Protein change: p.Pro2030=; no amino-acid change (proline 2030 retained).
Molecular consequence: synonymous variant.
Genome position (GRCh38, 1-based): chr16:2,109,077, G>A on the plus strand (C>T on the coding strand, the complement: PKD1 is on the minus strand). VCF-style: chr16-2109077-G-A. GRCh37 (hg19) VCF-style: chr16-2159078-G-A.
Other names: c.6090C>T, p.Pro2030= (NM_000296.4).
Identifiers: ClinVar variation 3055037 (VCV003055037.3), dbSNP rs369113909, ClinGen allele CA7831728.

ClinVar aggregate classification (germline): Likely benign. Review status: criteria provided, single submitter (1 of 4 stars). 2 submissions from 2 submitters: Likely benign (1). 1 of the submissions does not count toward it. Last evaluated 2024-08-23.

Conditions:
PKD1-related disorder. Also called: PKD1-related condition.

Allele frequency attached by ClinVar (database versions not stated): gnomAD 0.00003; ExAC 0.00005; 1000 Genomes Project 0.00020; 1000 Genomes Project 30x 0.00031.
gnomAD v4.1: 93 of 1,604,124 alleles (0.0058%); highest among the groups gnomAD compares: East Asian, 0.025%; no homozygotes.

Submissions (2):

Blueprint Genetics
Classification: Likely benign. Last evaluated: 2024-08-23. Review status: criteria provided, single submitter. Criteria: ACMG Guidelines, 2015. Collection method: clinical testing. Allele origin: germline.

PreventionGenetics, part of Exact Sciences
Classification: Likely benign for PKD1-related condition. Last evaluated: 2022-11-02. Review status: no assertion criteria provided. Collection method: clinical testing. Allele origin: germline. Not counted in ClinVar's aggregate classification.
Comment: This variant is classified as likely benign based on ACMG/AMP sequence variant interpretation guidelines (Richards et al. 2015 PMID: 25741868, with internal and published modifications).